The following is an entry in ClinVar:

ClinVar aggregate classification (germline): Uncertain significance. Review status: criteria provided, multiple submitters, no conflicts (2 of 4 stars). 2 submissions from 2 submitters: Uncertain significance (2). Last evaluated 2025-06-12.

Conditions:
Inborn genetic diseases. Identifiers: MedGen C0950123, MeSH D030342.

gnomAD v4.1: 21 of 1,614,068 alleles (0.0013%); highest among the groups gnomAD compares: Middle Eastern, 0.017%; no homozygotes.

Submissions (2):

Labcorp Genetics (formerly Invitae), Labcorp
Classification: Uncertain significance. Last evaluated: 2025-06-12. Review status: criteria provided, single submitter. Criteria: Invitae Variant Classification Sherloc (09022015). Collection method: clinical testing. Allele origin: germline.
Comment: This sequence change replaces aspartic acid, which is acidic and polar, with glutamic acid, which is acidic and polar, at codon 176 of the FLNB protein (p.Asp176Glu). This variant is present in population databases (rs202241565, gnomAD 0.004%). This variant has not been reported in the literature in individuals affected with FLNB-related conditions. ClinVar contains an entry for this variant (Variation ID: 3705130). Invitae Evidence Modeling of protein sequence and biophysical properties (such as structural, functional, and spatial information, amino acid conservation, physicochemical variation, residue mobility, and thermodynamic stability) indicates that this missense variant is not expected to disrupt FLNB protein function with a negative predictive value of 95%. In summary, the available evidence is currently insufficient to determine the role of this variant in disease. Therefore, it has been classified as a Variant of Uncertain Significance.

Ambry Genetics
Classification: Uncertain significance for Inborn genetic diseases. Last evaluated: 2025-04-20. Review status: criteria provided, single submitter. Criteria: Ambry Variant Classification Scheme 2023. Collection method: clinical testing. Allele origin: germline.

NM_001457.4(FLNB):c.528C>G (p.Asp176Glu)

Gene: FLNB (filamin B; plus strand). Cytogenetic location: 3p14.3.
Variant type: single nucleotide variant.
Coding change: c.528C>G on transcript NM_001457.4 (MANE Select); coding-DNA position 528, C replaced by G.
Protein change: p.Asp176Glu; replaces aspartic acid 176 with glutamic acid.
Molecular consequence: missense variant.
Genome position (GRCh38, 1-based): chr3:58,077,281, C>G. VCF-style: chr3-58077281-C-G. GRCh37 (hg19) VCF-style: chr3-58063008-C-G.
Other names: c.528C>G (NM_001457.3); c.528C>G, p.Asp176Glu (NM_001164317.2, NM_001164318.2, NM_001164319.2); short protein forms D176E.
Identifiers: ClinVar variation 3705130 (VCV003705130.3).